The following is an entry in ClinVar:

ClinVar aggregate classification (germline): Uncertain significance. Review status: criteria provided, multiple submitters, no conflicts (2 of 4 stars). 3 submissions from 3 submitters: Uncertain significance (3). Last evaluated 2026-06-10.

Conditions:
PKD1-related disorder. Also called: PKD1-related condition.
Inborn genetic diseases. Identifiers: MedGen C0950123, MeSH D030342.

Allele frequency attached by ClinVar (database versions not stated): ESP Exome Variant Server 0.00023; gnomAD 0.00027.
gnomAD v4.1: 171 of 1,611,030 alleles (0.011%); highest among the groups gnomAD compares: African/African-American, 0.077%; no homozygotes.

Submissions (3):

Ambry Genetics
Classification: Uncertain significance for Inborn genetic diseases. Last evaluated: 2026-06-10. Review status: criteria provided, single submitter. Criteria: Ambry Variant Classification Scheme 2023. Collection method: clinical testing. Allele origin: germline.
Comment: The c.4232G>A (p.R1411H) alteration is located in exon 15 (coding exon 15) of the PKD1 gene. This alteration results from a G to A substitution at nucleotide position 4232, causing the arginine (R) at amino acid position 1411 to be replaced by a histidine (H). Based on data from gnomAD, the A allele has an overall frequency of 0.011% (30/279170) total alleles studied. The highest observed frequency was 0.037% (9/24420) of African alleles. Based on insufficient or conflicting evidence, the clinical significance of this alteration remains unclear.

PreventionGenetics, part of Exact Sciences
Classification: Uncertain significance for PKD1-related condition. Last evaluated: 2026-05-05. Review status: criteria provided, single submitter. Criteria: ACMG Guidelines, 2015. Collection method: clinical testing. Allele origin: germline.
Comment: The PKD1 c.4232G>A variant is predicted to result in the amino acid substitution p.Arg1411His. To our knowledge, this variant has not been reported in the literature. This variant is reported in 0.037% of alleles in individuals of African descent in gnomAD. Although we suspect that this variant may be benign, at this time, the clinical significance of this variant is uncertain due to the absence of conclusive functional and genetic evidence.

Women's Health and Genetics/Laboratory Corporation of America, LabCorp
Classification: Uncertain significance. Last evaluated: 2025-12-08. Review status: criteria provided, single submitter. Criteria: LabCorp Variant Classification Summary - May 2015. Collection method: clinical testing. Allele origin: germline.
Comment: Variant summary: PKD1 c.4232G>A (p.Arg1411His) results in a non-conservative amino acid change in the encoded protein sequence. Algorithms developed to predict the effect of missense changes on protein structure and function are either unavailable or do not agree on the potential impact of this missense change. The variant allele was found at a frequency of 0.0001 in 247806 control chromosomes (gnomAD). This frequency is not significantly higher than estimated for disease-causing variants in PKD1, allowing no conclusion about variant significance. To our knowledge, no occurrence of c.4232G>A in individuals affected with PKD1-related conditions and no experimental evidence demonstrating its impact on protein function have been reported. ClinVar contains an entry for this variant (Variation ID: 3213473). Based on the evidence outlined above, the variant was classified as uncertain significance.

NM_001009944.3(PKD1):c.4232G>A (p.Arg1411His)

Gene: PKD1 (polycystin 1, transient receptor potential channel interacting; minus strand). Cytogenetic location: 16p13.3.
Variant type: single nucleotide variant.
Coding change: c.4232G>A on transcript NM_001009944.3 (MANE Select); coding-DNA position 4232, G replaced by A.
Protein change: p.Arg1411His; replaces arginine 1411 with histidine.
Molecular consequence: missense variant.
Genome position (GRCh38, 1-based): chr16:2,110,935, C>T on the plus strand (G>A on the coding strand, the complement: PKD1 is on the minus strand). VCF-style: chr16-2110935-C-T. GRCh37 (hg19) VCF-style: chr16-2160936-C-T.
Other names: c.4232G>A, p.Arg1411His (NM_000296.4); short protein forms R1411H.
Identifiers: ClinVar variation 3213473 (VCV003213473.4), dbSNP rs371937874, ClinGen allele CA7832447.